The following is an entry in ClinVar:

ClinVar aggregate classification (germline): Pathogenic. Review status: criteria provided, multiple submitters, no conflicts (2 of 4 stars). 2 submissions from 2 submitters: Pathogenic (2). Last evaluated 2025-07-02.

Conditions:
Arrhythmogenic cardiomyopathy with wooly hair and keratoderma. Also called: PALMOPLANTAR KERATODERMA WITH LEFT VENTRICULAR CARDIOMYOPATHY AND WOOLLY HAIR; Arrhythmogenic cardiomyopathy with woolly hair and keratoderma; Carvajal syndrome; Dilated cardiomyopathy with woolly hair and keratoderma. Identifiers: Orphanet 65282, MedGen C1854063, MONDO:0011581, OMIM 605676.
Arrhythmogenic right ventricular dysplasia 8 (ARVD8). Also called: Arrhythmogenic Right Ventricular Dysplasia/Cardiomyopathy 8; ARRHYTHMOGENIC RIGHT VENTRICULAR DYSPLASIA, FAMILIAL, 8; ARRHYTHMOGENIC RIGHT VENTRICULAR CARDIOMYOPATHY 8. Identifiers: MedGen C1843896, MONDO:0011831, OMIM 607450.
Cardiovascular phenotype. Identifiers: MedGen CN230736.

Submissions (2):

Ambry Genetics
Classification: Pathogenic for Cardiovascular phenotype. Last evaluated: 2025-07-02. Review status: criteria provided, single submitter. Criteria: Ambry Variant Classification Scheme 2023. Collection method: clinical testing. Allele origin: germline.
Comment: The c.3126_3127delACinsT pathogenic mutation, located in coding exon 23 of the DSP gene, results from the deletion of two nucleotides and insertion of one nucleotide causing a translational frameshift with a predicted alternate stop codon (p.R1042Sfs*41). Alterations in DSP that result in haploinsufficiency or protein truncation have been reported in patients with arrhythmogenic right ventricular cardiomyopathy (ARVC) and dilated cardiomyopathy (DCM) (Fressart V et al. Europace. 2010;12(6):861-8; Elliott P et al. Circ Cardiovasc Genet. 2010;3(4):314-22; Quarta G et al. Circulation. 2011;123(23):2701-9; Garcia-Pavia P et al. Heart. 2011;97(21):1744-52; Rasmussen TB et al. Clin Genet. 2013;84(1):20-30; Pugh TJ et al. Genet Med. 2014;16(8):601-8). This variant is considered to be rare based on population cohorts in the Genome Aggregation Database (gnomAD). This alteration is expected to result in loss of function by premature protein truncation or nonsense-mediated mRNA decay. As such, this alteration is interpreted as a disease-causing mutation.

Labcorp Genetics (formerly Invitae), Labcorp
Classification: Pathogenic for Arrhythmogenic cardiomyopathy with wooly hair and keratoderma; Arrhythmogenic right ventricular dysplasia 8. Last evaluated: 2019-05-03. Review status: criteria provided, single submitter. Criteria: Invitae Variant Classification Sherloc (09022015). Collection method: clinical testing. Allele origin: germline.
Comment: This sequence change creates a premature translational stop signal (p.Arg1042Serfs*41) in the DSP gene. It is expected to result in an absent or disrupted protein product. This variant is not present in population databases (ExAC no frequency). This variant has not been reported in the literature in individuals with DSP-related disease. Loss-of-function variants in DSP are known to be pathogenic (PMID: 20716751, 24503780, 25227139). For these reasons, this variant has been classified as Pathogenic.

Literature cited by the submitters: PubMed 20716751 (cited by Labcorp Genetics (formerly Invitae), Labcorp); PubMed 24503780 (cited by Labcorp Genetics (formerly Invitae), Labcorp); PubMed 25227139 (cited by Labcorp Genetics (formerly Invitae), Labcorp).

NM_004415.4(DSP):c.3126_3127delinsT (p.Arg1042fs)

Gene: DSP (desmoplakin; plus strand). Cytogenetic location: 6p24.3.
Variant type: Indel.
Coding change: c.3126_3127delinsT on transcript NM_004415.4 (MANE Select); coding-DNA positions 3126 to 3127, AC replaced by T.
Protein change: p.Arg1042fs; shifts the reading frame from arginine 1042.
Molecular consequence: frameshift variant.
Genome position (GRCh38, 1-based): chr6:7,579,316-7,579,317, AC replaced by T. VCF-style: chr6-7579316-AC-T. GRCh37 (hg19) VCF-style: chr6-7579549-AC-T.
Other names: c.3126_3127delinsT (LRG_423t1); c.3126_3127delinsT, p.Arg1042fs (NM_001008844.3, NM_001319034.2); c.3126_3127delACinsT (NM_004415.2); short protein forms R1042fs.
Identifiers: ClinVar variation 572780 (VCV000572780.9), dbSNP rs1561696970, ClinGen allele CA891843110.